The following is an entry in ClinVar:

NM_004859.4(CLTC):c.3281G>A (p.Arg1094Gln)

Gene: CLTC (clathrin heavy chain; plus strand). Cytogenetic location: 17q23.1.
Variant type: single nucleotide variant.
Coding change: c.3281G>A on transcript NM_004859.4 (MANE Select); coding-DNA position 3281, G replaced by A.
Protein change: p.Arg1094Gln; replaces arginine 1094 with glutamine.
Molecular consequence: missense variant.
Genome position (GRCh38, 1-based): chr17:59,681,678, G>A. VCF-style: chr17-59681678-G-A. GRCh37 (hg19) VCF-style: chr17-57759039-G-A.
Other names: c.3293G>A, p.Arg1098Gln (NM_001288653.2); short protein forms R1094Q, R1098Q.
Identifiers: ClinVar variation 2575027 (VCV002575027.1), dbSNP rs2509151539, ClinGen allele CA400417434.

ClinVar aggregate classification (germline): Uncertain significance (1 of 4 stars; one submission).

Allele frequency attached by ClinVar (database versions not stated): gnomAD exomes below 0.00001.

Submission:

GeneDx
Classification: Uncertain significance. Last evaluated: 2023-01-31. Review status: criteria provided, single submitter. Criteria: GeneDx Variant Classification Process June 2021. Collection method: clinical testing. Allele origin: germline. Affected: yes.
Comment: Not observed at significant frequency in large population cohorts (gnomAD); In silico analysis supports that this missense variant has a deleterious effect on protein structure/function; Has not been previously published as pathogenic or benign to our knowledge